The following is an entry in ClinVar:

ClinVar aggregate classification (germline): Conflicting classifications of pathogenicity. Review status: criteria provided, conflicting classifications (1 of 4 stars). 3 submissions from 3 submitters: Uncertain significance (1); Likely benign (1). 1 of the submissions does not count toward it. Last evaluated 2025-08-22.

Conditions:
IQSEC3-related disorder. Also called: IQSEC3-related condition.

Allele frequency attached by ClinVar (database versions not stated): 1000 Genomes Project 0.00020; 1000 Genomes Project 30x 0.00047; ExAC 0.00218.
gnomAD v4.1: 5,327 of 1,532,824 alleles (0.35%); highest among the groups gnomAD compares: Non-Finnish European, 0.42%; 16 homozygotes.

Submissions (3):

Ambry Genetics
Classification: Uncertain significance. Last evaluated: 2025-08-22. Review status: criteria provided, single submitter. Criteria: Ambry Variant Classification Scheme 2023. Collection method: clinical testing. Allele origin: germline.

CeGaT Center for Human Genetics Tuebingen
Classification: Likely benign. Last evaluated: 2023-10-01. Review status: criteria provided, single submitter. Criteria: CeGaT Center For Human Genetics Tuebingen Variant Classification Criteria Version 2. Collection method: clinical testing. Allele origin: germline. Affected: yes. Observed: 1 variant allele.
Comment: IQSEC3: BS2

PreventionGenetics, part of Exact Sciences
Classification: Likely benign for IQSEC3-related condition. Last evaluated: 2023-05-27. Review status: no assertion criteria provided. Collection method: clinical testing. Allele origin: germline. Not counted in ClinVar's aggregate classification.
Comment: This variant is classified as likely benign based on ACMG/AMP sequence variant interpretation guidelines (Richards et al. 2015 PMID: 25741868, with internal and published modifications).

NM_001170738.2(IQSEC3):c.836C>T (p.Thr279Met)

Gene: IQSEC3 (IQ motif and Sec7 domain ArfGEF 3; plus strand). Cytogenetic location: 12p13.33.
Variant type: single nucleotide variant.
Coding change: c.836C>T on transcript NM_001170738.2 (MANE Select); coding-DNA position 836, C replaced by T.
Protein change: p.Thr279Met; replaces threonine 279 with methionine.
Molecular consequence: missense variant. On other transcripts: intron variant (1).
Genome position (GRCh38, 1-based): chr12:125,845, C>T. VCF-style: chr12-125845-C-T. GRCh37 (hg19) VCF-style: chr12-235011-C-T.
Other names: c.-6-12422C>T (NM_015232.2); c.836C>T (NM_001170738.1); short protein forms T279M.
Identifiers: ClinVar variation 2642557 (VCV002642557.26), dbSNP rs200670002, ClinGen allele CA6376149.